The following is an entry in ClinVar:

ClinVar aggregate classification (germline): Likely benign (0 of 4 stars; one submission).

Conditions:
SLC51A-related disorder. Also called: SLC51A-related condition.

gnomAD v4.1: 29 of 1,570,464 alleles (0.0018%); highest among the groups gnomAD compares: African/African-American, 0.0027%; no homozygotes.

Submission:

PreventionGenetics, part of Exact Sciences
Classification: Likely benign for SLC51A-related condition. Last evaluated: 2024-07-15. Review status: no assertion criteria provided. Collection method: clinical testing. Allele origin: germline.
Comment: This variant is classified as likely benign based on ACMG/AMP sequence variant interpretation guidelines (Richards et al. 2015 PMID: 25741868, with internal and published modifications).

NM_152672.6(SLC51A):c.-2C>T

Gene: SLC51A (solute carrier family 51 member A; plus strand). Cytogenetic location: 3q29.
Variant type: single nucleotide variant.
Coding change: c.-2C>T on transcript NM_152672.6 (MANE Select); 2 bases upstream of the start codon, C replaced by T.
Molecular consequence: 5 prime UTR variant.
Genome position (GRCh38, 1-based): chr3:196,216,711, C>T. VCF-style: chr3-196216711-C-T. GRCh37 (hg19) VCF-style: chr3-195943582-C-T.
Identifiers: ClinVar variation 3354299 (VCV003354299.1).
Genomic context (GRCh38, chr3:196,216,711, plus strand): 5'-TGCCCGCCCCGCCTGCCCTTCCTCACCCCGGTGCCTGCGGGATTGCTGGAGAGAACGCGG[C>T]GATGGAGCCGGGCAGGACCCAGATAAAGCTTGACCCCAGGTAAGTGAGGGCGGCGGGCCC-3'